The following is an entry in ClinVar:

NM_002471.4(MYH6):c.5653G>A (p.Glu1885Lys)

Gene: MYH6 (myosin heavy chain 6; minus strand). Cytogenetic location: 14q11.2.
Variant type: single nucleotide variant.
Coding change: c.5653G>A on transcript NM_002471.4 (MANE Select); coding-DNA position 5653, G replaced by A.
Protein change: p.Glu1885Lys; replaces glutamic acid 1885 with lysine.
Molecular consequence: missense variant.
Genome position (GRCh38, 1-based): chr14:23,383,233, C>T on the plus strand (G>A on the coding strand, the complement: MYH6 is on the minus strand). VCF-style: chr14-23383233-C-T. GRCh37 (hg19) VCF-style: chr14-23852442-C-T.
Other names: short protein forms E1885K.
Identifiers: ClinVar variation 537966 (VCV000537966.19), dbSNP rs760353963, ClinGen allele CA7114325.

ClinVar aggregate classification (germline): Conflicting classifications of pathogenicity. Review status: criteria provided, conflicting classifications (1 of 4 stars). 8 submissions from 8 submitters: Likely pathogenic (1); Uncertain significance (5). 2 of the submissions do not count toward it. Last evaluated 2024-04-22.

Conditions:
Hypertrophic cardiomyopathy 14. Identifiers: MedGen C2750467, MONDO:0013197, OMIM 613251.
Cardiovascular phenotype. Identifiers: MedGen CN230736.
Dilated cardiomyopathy 1EE (CMD1EE). Identifiers: Orphanet 154, MedGen C2750466, MONDO:0013198, OMIM 613252.
Atrial septal defect 3 (ASD3). Identifiers: Orphanet 1478, MedGen C3279790, MONDO:0013567, OMIM 614089.
Sick sinus syndrome 3, susceptibility to (SSS3). Identifiers: Orphanet 166282, MedGen C3279791, MONDO:0013568, OMIM 614090.

Allele frequency attached by ClinVar (database versions not stated): gnomAD 0.00001; TOPMed 0.00001; gnomAD exomes 0.00002 and 0.00001; ExAC 0.00002.
gnomAD v4.1: 19 of 1,577,432 alleles (0.0012%); highest among the groups gnomAD compares: East Asian, 0.0048%; no homozygotes.

Submissions (8):

GeneDx
Classification: Uncertain significance. Last evaluated: 2024-04-22. Review status: criteria provided, single submitter. Criteria: GeneDx Variant Classification Process June 2021. Collection method: clinical testing. Allele origin: germline. Affected: yes.
Comment: Reported in a patient with congenital heart disease who harbored an additional MYH6 variant in trans (PMID: 27760138) and in multiple affected individuals from a single family with Wolff-Parkinson-White syndrome (PMID: 26284702); In silico analysis supports that this missense variant has a deleterious effect on protein structure/function; Not observed at significant frequency in large population cohorts (gnomAD); This variant is associated with the following publications: (PMID: 35779862, 32233023, 26284702, 27760138)

Ambry Genetics
Classification: Uncertain significance for Cardiovascular phenotype. Last evaluated: 2023-11-21. Review status: criteria provided, single submitter. Criteria: Ambry Variant Classification Scheme 2023. Collection method: clinical testing. Allele origin: germline.
Comment: The p.E1885K variant (also known as c.5653G>A), located in coding exon 35 of the MYH6 gene, results from a G to A substitution at nucleotide position 5653. The glutamic acid at codon 1885 is replaced by lysine, an amino acid with similar properties. This alteration has been reported to segregate in a family with Wolff-Parkinson-White syndrome (Bowles NE et al. Am J Med Genet A, 2015 Dec;167A:2975-84). This alteration was also reported as a compound heterozygote in an infant with hypoplastic left heart syndrome (Preuss C et al. PLoS Genet, 2016 Oct;12:e1006335). This amino acid position is highly conserved in available vertebrate species. In addition, this alteration is predicted to be deleterious by in silico analysis. Since supporting evidence is limited at this time, the clinical significance of this alteration remains unclear.

Labcorp Genetics (formerly Invitae), Labcorp
Classification: Uncertain significance for Hypertrophic cardiomyopathy 14. Last evaluated: 2023-09-17. Review status: criteria provided, single submitter. Criteria: Invitae Variant Classification Sherloc (09022015). Collection method: clinical testing. Allele origin: germline.
Comment: In summary, the available evidence is currently insufficient to determine the role of this variant in disease. Therefore, it has been classified as a Variant of Uncertain Significance. Advanced modeling of protein sequence and biophysical properties (such as structural, functional, and spatial information, amino acid conservation, physicochemical variation, residue mobility, and thermodynamic stability) performed at Invitae indicates that this missense variant is expected to disrupt MYH6 protein function. ClinVar contains an entry for this variant (Variation ID: 537966). This missense change has been observed in individual(s) with a MYH6-related disease and Wolff–Parkinson–White syndrome (PMID: 26284702, 27760138). It has also been observed to segregate with disease in related individuals. This variant is present in population databases (rs760353963, gnomAD 0.006%). This sequence change replaces glutamic acid, which is acidic and polar, with lysine, which is basic and polar, at codon 1885 of the MYH6 protein (p.Glu1885Lys).

Blueprint Genetics
Classification: Uncertain significance. Last evaluated: 2023-01-26. Review status: criteria provided, single submitter. Criteria: ACMG Guidelines, 2015. Collection method: clinical testing. Allele origin: germline.

Women's Health and Genetics/Laboratory Corporation of America, LabCorp
Classification: Uncertain significance. Last evaluated: 2020-12-14. Review status: criteria provided, single submitter. Criteria: LabCorp Variant Classification Summary - May 2015. Collection method: clinical testing. Allele origin: germline.
Comment: Variant summary: MYH6 c.5653G>A (p.Glu1885Lys) results in a conservative amino acid change located in the Myosin tail domain (IPR002928) of the encoded protein sequence. Four of five in-silico tools predict a damaging effect of the variant on protein function. The variant allele was found at a frequency of 1.6e-05 in 251416 control chromosomes (gnomAD). c.5653G>A has been reported to segregate with Wolff Parkinson White syndrome in a family (Bowles_2015). The patient was however, compound heterozygous for the variant of interest and another MYH6 variant (Preuss_2016). To our knowledge, no experimental evidence demonstrating an impact on protein function has been reported. One ClinVar submitter (evaluation after 2014) cite the variant as uncertain significance. Based on the evidence outlined above, the variant was classified as uncertain significance.

Juno Genomics, Hangzhou Juno Genomics, Inc
Classification: Likely pathogenic for Atrial septal defect 3; Sick sinus syndrome 3, susceptibility to; Dilated cardiomyopathy 1EE; Hypertrophic cardiomyopathy 14. Review status: criteria provided, single submitter. Criteria: ACMG Guidelines, 2015. Collection method: clinical testing. Allele origin: germline. Affected: yes.
Comment: Absent from controls (or at extremely low frequency if recessive) in Genome Aggregation Database.;Multiple lines of computational evidence support a deleterious effect on the gene or gene product.;Missense variant in a gene that has a low rate of benign missense variation.;Co-segregation with disease in multiple affected family members.

Diagnostic Laboratory, Department of Genetics, University Medical Center Groningen
Classification: Uncertain significance. Review status: no assertion criteria provided. Collection method: clinical testing. Allele origin: germline. Affected: yes. Study: VKGL Data-share Consensus. Not counted in ClinVar's aggregate classification.

Genome Diagnostics Laboratory, University Medical Center Utrecht
Classification: Uncertain significance. Review status: no assertion criteria provided. Collection method: clinical testing. Allele origin: germline. Affected: yes. Study: VKGL Data-share Consensus. Not counted in ClinVar's aggregate classification.

Literature cited by the submitters: PubMed 26284702 (cited by 3 submitters); PubMed 27760138 (cited by 3 submitters).